The following is an entry in ClinVar:

NM_145728.3(SYNM):c.3606G>T (p.Ser1202=)

Gene: SYNM (synemin; plus strand). Cytogenetic location: 15q26.3.
Variant type: single nucleotide variant.
Coding change: c.3606G>T on transcript NM_145728.3 (MANE Select); coding-DNA position 3606, G replaced by T.
Protein change: p.Ser1202=; no amino-acid change (serine 1202 retained).
Molecular consequence: synonymous variant. On other transcripts: intron variant (1).
Genome position (GRCh38, 1-based): chr15:99,131,966, G>T. VCF-style: chr15-99131966-G-T. GRCh37 (hg19) VCF-style: chr15-99672171-G-T.
Other names: c.3453+153G>T (NM_015286.6).
Identifiers: ClinVar variation 2645743 (VCV002645743.24), dbSNP rs201454977, ClinGen allele CA492473462.

ClinVar aggregate classification (germline): Likely benign (1 of 4 stars; one submission).

gnomAD v4.1: 6 of 1,613,932 alleles (0.00037%); highest among the groups gnomAD compares: South Asian, 0.0055%; no homozygotes.

Submission:

CeGaT Center for Human Genetics Tuebingen
Classification: Likely benign. Last evaluated: 2022-07-01. Review status: criteria provided, single submitter. Criteria: CeGaT Center For Human Genetics Tuebingen Variant Classification Criteria Version 2. Collection method: clinical testing. Allele origin: germline. Affected: yes. Observed: 1 variant allele.
Comment: SYNM: BP4, BP7